The following is an entry in ClinVar:

NM_002382.5(MAX):c.172-6155T>A

Gene: MAX (MYC associated transcriptional regulator X; minus strand). Cytogenetic location: 14q23.3.
Variant type: single nucleotide variant.
Coding change: c.172-6155T>A on transcript NM_002382.5 (MANE Select); 6155 bases into the intron before coding-DNA position 172, T replaced by A.
Molecular consequence: intron variant. On other transcripts: missense variant (3), 3 prime UTR variant (1), non-coding transcript variant (4).
Genome position (GRCh38, 1-based): chr14:65,084,191, A>T on the plus strand (T>A on the coding strand, the complement: MAX is on the minus strand). VCF-style: chr14-65084191-A-T. GRCh37 (hg19) VCF-style: chr14-65550909-A-T.
Other names: c.253T>A, p.Cys85Ser (NM_001271068.2, NM_001407113.1); c.*54T>A (NM_001407114.1); c.280T>A, p.Cys94Ser (NM_145114.3); c.144+9517T>A (NM_001271069.2); c.171+9517T>A (NM_197957.4); c.-196-6155T>A (NM_001407112.1, NM_001407111.1); c.-103-6155T>A (NM_001407106.1, NM_001407107.1, NM_001320415.2 and 1 more transcripts); c.145-6155T>A (NM_001407095.1, NM_001407110.1, NM_001407102.1 and 6 more transcripts); and 2 more; short protein forms C94S, C85S.
Identifiers: ClinVar variation 5023984 (VCV005023984.1).

ClinVar aggregate classification (germline): Uncertain significance (1 of 4 stars; one submission).

Conditions:
Hereditary cancer-predisposing syndrome. Also called: Neoplastic Syndromes, Hereditary; Tumor predisposition; Hereditary neoplastic syndrome; Hereditary Cancer Syndrome. Identifiers: Orphanet 140162, MedGen C0027672, MeSH D009386, MONDO:0015356.

Submission:

Ambry Genetics
Classification: Uncertain significance for Hereditary cancer-predisposing syndrome. Last evaluated: 2026-07-07. Review status: criteria provided, single submitter. Criteria: Ambry Variant Classification Scheme 2023. Collection method: clinical testing. Allele origin: germline.
Comment: The p.C94S variant (also known as c.280T>A), located in coding exon 4 of the MAX gene, results from a T to A substitution at nucleotide position 280. The cysteine at codon 94 is replaced by serine, an amino acid with dissimilar properties. This amino acid position is conserved. In addition, this alteration is predicted to be tolerated by in silico analysis. Based on the available evidence, the clinical significance of this variant remains unclear.